The following is an entry in ClinVar:

NM_000059.4(BRCA2):c.1048del (p.Glu350fs)

Gene: BRCA2 (BRCA2 DNA repair associated; plus strand). Cytogenetic location: 13q13.1.
Variant type: Deletion.
Coding change: c.1048del on transcript NM_000059.4 (MANE Select); coding-DNA position 1048, one base deleted (G; older notation c.1048delG).
Protein change: p.Glu350fs; shifts the reading frame from glutamic acid 350.
Molecular consequence: frameshift variant. On other transcripts: non-coding transcript variant (1), intron variant (1).
Genome position (GRCh38, 1-based): chr13:32,332,526, G deleted. VCF-style (leftmost placement, unchanged base first): chr13-32332525-AG-A. GRCh37 (hg19) VCF-style: chr13-32906662-AG-A.
Other names: c.1048del, p.Glu350fs (NM_001406719.1, NM_001406720.1, NM_001406721.1 and 1 more transcripts); c.424+1496del (NM_001406722.1); short protein forms E350fs.
Identifiers: ClinVar variation 3894481 (VCV003894481.2).

ClinVar aggregate classification (germline): Pathogenic. Review status: criteria provided, multiple submitters, no conflicts (2 of 4 stars). 2 submissions from 2 submitters: Pathogenic (2). Last evaluated 2026-01-28.

Conditions:
Hereditary cancer-predisposing syndrome. Also called: Neoplastic Syndromes, Hereditary; Tumor predisposition; Hereditary neoplastic syndrome; Hereditary Cancer Syndrome. Identifiers: Orphanet 140162, MedGen C0027672, MeSH D009386, MONDO:0015356.

Submissions (2):

Ambry Genetics
Classification: Pathogenic for Hereditary cancer-predisposing syndrome. Last evaluated: 2026-01-28. Review status: criteria provided, single submitter. Criteria: Ambry Variant Classification Scheme 2023. Collection method: clinical testing. Allele origin: germline.
Comment: The c.1048delG pathogenic mutation, located in coding exon 9 of the BRCA2 gene, results from a deletion of one nucleotide at nucleotide position 1048, causing a translational frameshift with a predicted alternate stop codon (p.E350Kfs*17). This variant is considered to be rare based on population cohorts in the Genome Aggregation Database (gnomAD). This alteration is expected to result in loss of function by premature protein truncation or nonsense-mediated mRNA decay. As such, this alteration is interpreted as a disease-causing mutation.

Color Diagnostics, LLC DBA Color Health
Classification: Pathogenic for Hereditary cancer-predisposing syndrome. Last evaluated: 2024-02-20. Review status: criteria provided, single submitter. Criteria: ACMG Guidelines, 2015. Collection method: clinical testing. Allele origin: germline.
Comment: This variant deletes 1 nucleotide in exon 10 of the BRCA2 gene, creating a frameshift and premature translation stop signal. This variant is expected to result in an absent or non-functional protein product. To our knowledge, this variant has not been reported in individuals affected with BRCA2-related disorders in the literature. This variant has not been identified in the general population by the Genome Aggregation Database (gnomAD). Loss of BRCA2 function is a known mechanism of disease. Based on the available evidence, this variant is classified as Pathogenic.